The following is an entry in ClinVar:

ClinVar aggregate classification (germline): Likely benign. Review status: criteria provided, single submitter (1 of 4 stars). 2 submissions from 2 submitters: Likely benign (1). 1 of the submissions does not count toward it. Last evaluated 2025-11-27.

Conditions:
Paget disease of bone 2, early-onset (PDB2). Also called: Paget disease of bone 2. Identifiers: MedGen C4085251, MONDO:0011183, OMIM 602080.
Frontotemporal dementia and/or amyotrophic lateral sclerosis 1 (FTDALS1). Also called: C9orf72 Frontotemporal Dementia and/or Amyotrophic Lateral Sclerosis; Frontotemporal dementia with motor neuron disease 1. Identifiers: Orphanet 275872, MedGen C5779877, MONDO:0007105, OMIM 105550.
SQSTM1-related disorder. Also called: SQSTM1-Related Disorders.

Allele frequency attached by ClinVar (database versions not stated): gnomAD 0.00001; TOPMed 0.00002; gnomAD exomes 0.00004 and 0.00006; ExAC 0.00007.
gnomAD v4.1: 88 of 1,614,024 alleles (0.0055%); highest among the groups gnomAD compares: Middle Eastern, 0.016%; no homozygotes.

Submissions (2):

Labcorp Genetics (formerly Invitae), Labcorp
Classification: Likely benign for Paget disease of bone 2, early-onset; Frontotemporal dementia and/or amyotrophic lateral sclerosis 1. Last evaluated: 2025-11-27. Review status: criteria provided, single submitter. Criteria: Invitae Variant Classification Sherloc (09022015). Collection method: clinical testing. Allele origin: germline.

PreventionGenetics, part of Exact Sciences
Classification: Likely benign for SQSTM1-related condition. Last evaluated: 2022-05-16. Review status: no assertion criteria provided. Collection method: clinical testing. Allele origin: germline. Not counted in ClinVar's aggregate classification.
Comment: This variant is classified as likely benign based on ACMG/AMP sequence variant interpretation guidelines (Richards et al. 2015 PMID: 25741868, with internal and published modifications).

NM_003900.5(SQSTM1):c.1166-6C>T

Gene: SQSTM1 (sequestosome 1; plus strand). Cytogenetic location: 5q35.3.
Variant type: single nucleotide variant.
Coding change: c.1166-6C>T on transcript NM_003900.5 (MANE Select); 6 bases into the intron before coding-DNA position 1166, C replaced by T.
Molecular consequence: intron variant.
Genome position (GRCh38, 1-based): chr5:179,836,430, C>T. VCF-style: chr5-179836430-C-T. GRCh37 (hg19) VCF-style: chr5-179263430-C-T.
Other names: c.1166-6C>T (NM_003900.4); c.914-6C>T (NM_001142298.2, NM_001142299.2).
Identifiers: ClinVar variation 1578638 (VCV001578638.10), dbSNP rs762322293, ClinGen allele CA3600846.